The following is an entry in ClinVar:

ClinVar aggregate classification (germline): Uncertain significance (1 of 4 stars; one submission).

Conditions:
Autosomal recessive limb-girdle muscular dystrophy type R18 (LGMDR18). Also called: Limb-girdle muscular dystrophy, type 2S; MUSCULAR DYSTROPHY, LIMB-GIRDLE, AUTOSOMAL RECESSIVE 18; Autosomal recessive limb-girdle muscular dystrophy type 2S. Identifiers: Orphanet 369840, MedGen C4517996, MONDO:0014144, OMIM 615356.

Submission:

Labcorp Genetics (formerly Invitae), Labcorp
Classification: Uncertain significance for Autosomal recessive limb-girdle muscular dystrophy type R18. Last evaluated: 2022-05-06. Review status: criteria provided, single submitter. Criteria: Invitae Variant Classification Sherloc (09022015). Collection method: clinical testing. Allele origin: germline.
Comment: This variant, c.1279_1281del, results in the deletion of 1 amino acid(s) of the TRAPPC11 protein (p.Val427del), but otherwise preserves the integrity of the reading frame. This variant is present in population databases (rs779028056, gnomAD 0.003%). This variant has not been reported in the literature in individuals affected with TRAPPC11-related conditions. Experimental studies and prediction algorithms are not available or were not evaluated, and the functional significance of this variant is currently unknown. In summary, the available evidence is currently insufficient to determine the role of this variant in disease. Therefore, it has been classified as a Variant of Uncertain Significance.

NM_021942.6(TRAPPC11):c.1276GTT[1] (p.Val427del)

Gene: TRAPPC11 (trafficking protein particle complex subunit 11; plus strand). Cytogenetic location: 4q35.1.
Variant type: Microsatellite.
Coding change: c.1276GTT[1] on transcript NM_021942.6 (MANE Select); one copy of the 3-base unit GTT starting at c.1276; the reference has two copies in a row; one copy, 3 bases deleted.
Protein change: p.Val427del; deletes valine 427.
Molecular consequence: inframe deletion.
Genome position (GRCh38, 1-based): chr4:183,684,046-183,684,048, GTT deleted; deleting any 3 consecutive bases within chr4:183,684,042-183,684,048 gives the same sequence; the position shown is the placement nearest the transcript's 3' end. VCF-style (leftmost placement, unchanged base first): chr4-183684041-ATGT-A. GRCh37 (hg19) VCF-style: chr4-184605194-ATGT-A.
Other names: c.1276GTT[1], p.Val427del (NM_199053.3); short protein forms V427del.
Identifiers: ClinVar variation 2106488 (VCV002106488.1), dbSNP rs779028056, ClinGen allele CA3151857.